The following is an entry in ClinVar:

NM_000098.3(CPT2):c.1553G>A (p.Arg518Lys)

Gene: CPT2 (carnitine palmitoyltransferase 2; plus strand). Cytogenetic location: 1p32.3.
Variant type: single nucleotide variant.
Coding change: c.1553G>A on transcript NM_000098.3 (MANE Select); coding-DNA position 1553, G replaced by A.
Protein change: p.Arg518Lys; replaces arginine 518 with lysine.
Molecular consequence: missense variant.
Genome position (GRCh38, 1-based): chr1:53,211,227, G>A. VCF-style: chr1-53211227-G-A. GRCh37 (hg19) VCF-style: chr1-53676899-G-A.
Other names: c.1553G>A, p.Arg518Lys (NM_001330589.2); short protein forms R518K.
Identifiers: ClinVar variation 4873307 (VCV004873307.2).

ClinVar aggregate classification (germline): Uncertain significance (1 of 4 stars; one submission).

Submission:

CeGaT Center for Human Genetics Tuebingen
Classification: Uncertain significance. Last evaluated: 2026-06-01. Review status: criteria provided, single submitter. Criteria: CeGaT Center For Human Genetics Tuebingen Variant Classification Criteria Version 2. Collection method: clinical testing. Allele origin: germline. Affected: yes. Observed: 1 variant allele.
Comment: CPT2: PM2, BP4